The following is an entry in ClinVar:

NM_003982.4(SLC7A7):c.1147_1151dup (p.Tyr384Ter)

Gene: SLC7A7 (solute carrier family 7 member 7; minus strand). Cytogenetic location: 14q11.2.
Variant type: Duplication.
Coding change: c.1147_1151dup on transcript NM_003982.4 (MANE Select); coding-DNA positions 1147 to 1151, 5 bases duplicated (AACTA; older notation c.1147_1151dupAACTA).
Protein change: p.Tyr384Ter; replaces tyrosine 384 with a stop codon.
Molecular consequence: nonsense.
Genome position (GRCh38, 1-based): chr14:22,774,448-22,774,452, TAGTT duplicated on the plus strand (AACTA on the coding strand, the reverse complement: SLC7A7 is on the minus strand). VCF-style (leftmost placement, unchanged base first): chr14-22774447-G-GTAGTT. GRCh37 (hg19) VCF-style: chr14-23243656-G-GTAGTT.
Other names: c.1147_1151dup, p.Tyr384Ter (NM_001126105.3, NM_001126106.4); c.1147_1151dupAACTA (NM_001126105.2, NM_001126106.2); short protein forms Y384*.
Identifiers: ClinVar variation 56350 (VCV000056350.12), dbSNP rs386833798, ClinGen allele CA263770.

ClinVar aggregate classification (germline): Pathogenic/Likely pathogenic. Review status: criteria provided, multiple submitters, no conflicts (2 of 4 stars). 4 submissions from 4 submitters: Pathogenic (1); Likely pathogenic (2). 1 of the submissions does not count toward it. Last evaluated 2025-02-27.

Conditions:
Lysinuric protein intolerance (LPI). Identifiers: Orphanet 470, MedGen C0268647, MONDO:0009109, OMIM 222700.

Allele frequency attached by ClinVar (database versions not stated): gnomAD 0.00001; ExAC 0.00002; gnomAD exomes below 0.00001 and 0.00001; TOPMed 0.00001.

Submissions (4):

Natera, Inc.
Classification: Likely pathogenic for Lysinuric protein intolerance. Last evaluated: 2025-02-27. Review status: criteria provided, single submitter. Criteria: Natera Variant Classification Schema (03/2026). Collection method: clinical testing. Allele origin: germline.
Comment: The c.1147_1151dupAACTA variant in SLC7A7 is a frameshift variant predicted to shift the reading frame and introduce a stop codon. This variant is expected to result in nonsense mediated decay, truncation, or a dysfunctional protein product. This variant is rare in the general population with a frequency below the threshold expected for the associated phenotype(s). Given the available evidence, this variant is classified as Likely Pathogenic.

Fulgent Genetics
Classification: Likely pathogenic for Lysinuric protein intolerance. Last evaluated: 2022-05-06. Review status: criteria provided, single submitter. Criteria: ACMG Guidelines, 2015. Collection method: clinical testing. Allele origin: unknown.

Labcorp Genetics (formerly Invitae), Labcorp
Classification: Pathogenic for Lysinuric protein intolerance. Last evaluated: 2021-10-08. Review status: criteria provided, single submitter. Criteria: Invitae Variant Classification Sherloc (09022015). Collection method: clinical testing. Allele origin: germline.
Comment: ClinVar contains an entry for this variant (Variation ID: 56350). This premature translational stop signal has been observed in individual(s) with lysinuric protein intolerance (PMID: 10655553). The frequency data for this variant in the population databases is considered unreliable, as metrics indicate poor data quality at this position in the ExAC database. This sequence change creates a premature translational stop signal (p.Tyr384*) in the SLC7A7 gene. It is expected to result in an absent or disrupted protein product. Loss-of-function variants in SLC7A7 are known to be pathogenic (PMID: 10631139, 17764084). For these reasons, this variant has been classified as Pathogenic.

Juha Muilu Group; Institute for Molecular Medicine Finland (FIMM)
Classification: Likely pathogenic for Lysinuric protein intolerance. Review status: no assertion criteria provided. Collection method: not provided. Allele origin: unknown. Not counted in ClinVar's aggregate classification.
Comment: FinDis database variant: This variant was not found or characterized by our laboratory, data were collected from public sources: see reference
ClinVar note: Converted during submission from probable-pathogenic to Likely pathogenic.

Literature cited by the submitters: PubMed 10655553 (cited by Labcorp Genetics (formerly Invitae), Labcorp); PubMed 10631139 (cited by Labcorp Genetics (formerly Invitae), Labcorp); PubMed 17764084 (cited by Labcorp Genetics (formerly Invitae), Labcorp).